The following is an entry in ClinVar:

NM_000399.5(EGR2):c.292A>G (p.Ile98Val)

Gene: EGR2 (early growth response 2; minus strand). Cytogenetic location: 10q21.3.
Variant type: single nucleotide variant.
Coding change: c.292A>G on transcript NM_000399.5 (MANE Select); coding-DNA position 292, A replaced by G.
Protein change: p.Ile98Val; replaces isoleucine 98 with valine.
Molecular consequence: missense variant.
Genome position (GRCh38, 1-based): chr10:62,814,346, T>C on the plus strand (A>G on the coding strand, the complement: EGR2 is on the minus strand). VCF-style: chr10-62814346-T-C. GRCh37 (hg19) VCF-style: chr10-64574106-T-C.
Other names: c.292A>G, p.Ile98Val (NM_001136177.3, NM_001136178.2); c.142A>G, p.Ile48Val (NM_001136179.3, NM_001321037.2); c.331A>G, p.Ile111Val (NM_001410931.1); short protein forms I48V, I98V, I111V.
Identifiers: ClinVar variation 2892455 (VCV002892455.3), dbSNP rs2492301552, ClinGen allele CA377031698.

ClinVar aggregate classification (germline): Uncertain significance (1 of 4 stars; one submission).

Conditions:
Charcot-Marie-Tooth disease, type I (CMT1). Also called: Charcot-Marie-Tooth disease type 1; Charcot-Marie-Tooth, Type 1. Identifiers: Orphanet 65753, MedGen C0751036, MONDO:0019011.

Submission:

Labcorp Genetics (formerly Invitae), Labcorp
Classification: Uncertain significance for Charcot-Marie-Tooth disease, type I. Last evaluated: 2023-12-22. Review status: criteria provided, single submitter. Criteria: Invitae Variant Classification Sherloc (09022015). Collection method: clinical testing. Allele origin: germline.
Comment: This sequence change replaces isoleucine, which is neutral and non-polar, with valine, which is neutral and non-polar, at codon 98 of the EGR2 protein (p.Ile98Val). This variant is not present in population databases (gnomAD no frequency). This variant has not been reported in the literature in individuals affected with EGR2-related conditions. Advanced modeling of protein sequence and biophysical properties (such as structural, functional, and spatial information, amino acid conservation, physicochemical variation, residue mobility, and thermodynamic stability) performed at Invitae indicates that this missense variant is not expected to disrupt EGR2 protein function with a negative predictive value of 80%. In summary, the available evidence is currently insufficient to determine the role of this variant in disease. Therefore, it has been classified as a Variant of Uncertain Significance.